The following is an entry in ClinVar:

ClinVar aggregate classification (germline): Pathogenic (1 of 4 stars; one submission).

Conditions:
Familial cancer of breast. Also called: Hereditary breast cancer; BREAST CANCER, FAMILIAL; hereditary breast carcinoma. Identifiers: Orphanet 227535, MedGen C0346153, MONDO:0016419, OMIM 114480. Disease mechanism: loss of function.

Submission:

Myriad Genetics, Inc.
Classification: Pathogenic for Familial cancer of breast. Last evaluated: 2023-05-23. Review status: criteria provided, single submitter. Criteria: Myriad Autosomal Dominant, Autosomal Recessive and X-Linked Classification Criteria (2023). Collection method: clinical testing. Allele origin: unknown.
Comment: This variant is considered pathogenic. This variant creates a frameshift predicted to result in premature protein truncation.

NM_000465.4(BARD1):c.1604_1622delinsCA (p.Asp535fs)

Gene: BARD1 (BRCA1 associated RING domain 1; minus strand). Cytogenetic location: 2q35.
Variant type: Indel.
Coding change: c.1604_1622delinsCA on transcript NM_000465.4 (MANE Select); coding-DNA positions 1604 to 1622, ATGATGAAAGTATGAAATC replaced by CA.
Protein change: p.Asp535fs; shifts the reading frame from aspartic acid 535.
Molecular consequence: frameshift variant. On other transcripts: non-coding transcript variant (3), intron variant (1).
Genome position (GRCh38, 1-based): chr2:214,752,502-214,752,520, GATTTCATACTTTCATCAT replaced by TG on the plus strand (ATGATGAAAGTATGAAATC replaced by CA on the coding strand, the reverse complement: BARD1 is on the minus strand). VCF-style: chr2-214752502-GATTTCATACTTTCATCAT-TG. GRCh37 (hg19) VCF-style: chr2-215617226-GATTTCATACTTTCATCAT-TG.
Other names: c.1547_1565delinsCA, p.Asp516fs (NM_001282543.2); c.251_269delinsCA, p.Asp84fs (NM_001282545.2); c.194_212delinsCA, p.Asp65fs (NM_001282548.2); c.365-22012_365-21994delinsCA (NM_001282549.2); short protein forms D516fs, D535fs, D65fs, D84fs.
Identifiers: ClinVar variation 2583386 (VCV002583386.2), dbSNP rs2469378366, ClinGen allele CA2582342071.
Genomic context (GRCh38, chr2:214,752,502, plus strand): 5'-CTTACTACTGAGCAGTGGCTAGCTGAGGATGATTCATTCTTCTCTGGTAGCAGCAATAGC[GATTTCATACTTTCATCAT>TG]CTGTATAATCGACAGGCCGCAGACCAAATATATTACTGGTAAAATAAGTGCAGATGTGTT-3'